The following is an entry in ClinVar:

ClinVar aggregate classification (germline): Uncertain significance (1 of 4 stars; one submission).

Submission:

Labcorp Genetics (formerly Invitae), Labcorp
Classification: Uncertain significance. Last evaluated: 2024-04-14. Review status: criteria provided, single submitter. Criteria: Invitae Variant Classification Sherloc (09022015). Collection method: clinical testing. Allele origin: germline.
Comment: This sequence change falls in intron 3 of the IL2RB gene. It does not directly change the encoded amino acid sequence of the IL2RB protein. It affects a nucleotide within the consensus splice site. This variant is not present in population databases (gnomAD no frequency). This variant has not been reported in the literature in individuals affected with IL2RB-related conditions. Variants that disrupt the consensus splice site are a relatively common cause of aberrant splicing (PMID: 17576681, 9536098). Experimental studies and prediction algorithms are not available or were not evaluated, and the effect of this variant on mRNA splicing is currently unknown. In summary, the available evidence is currently insufficient to determine the role of this variant in disease. Therefore, it has been classified as a Variant of Uncertain Significance.

Literature cited by the submitters: PubMed 17576681; PubMed 9536098.

NM_000878.5(IL2RB):c.203+2_203+3insGTCCACTGTGGCCGTCTGTGCAGTGTGGCCGGACACTGCACTGTGCAGTGTGGCCGGACACACACTGTGCAGTGTGGCCGGACA

Gene: IL2RB (interleukin 2 receptor subunit beta; minus strand). Cytogenetic location: 22q12.3.
Variant type: Insertion.
Coding change: c.203+2_203+3insGTCCACTGTGGCCGTCTGTGCAGTGTGGCCGGACACTGCACTGTGCAGTGTGGCCGGACACACACTGTGCAGTGTGGCCGGACA on transcript NM_000878.5 (MANE Select); the canonical splice donor site of the intron after coding-DNA position 203 through 3 bases into the intron after coding-DNA position 203, GTCCACTGTGGCCGTCTGTGCAGTGTGGCCGGACACTGCACTGTGCAGTGTGGCCGGACACACACTGTGCAGTGTGGCCGGACA inserted.
Molecular consequence: splice donor variant.
Genome position: GRCh38: chr22:37,143,520-37,143,521. GRCh37 (hg19): chr22:37,539,560-37,539,561.
Other names: c.203+2_203+3insGTCCACTGTGGCCGTCTGTGCAGTGTGGCCGGACACTGCACTGTGCAGTGTGGCCGGACACACACTGTGCAGTGTGGCCGGACA (NM_001346222.1, NM_001346223.2).
Identifiers: ClinVar variation 3649846 (VCV003649846.2).